The following is an entry in ClinVar:

ClinVar aggregate classification (germline): Uncertain significance. Review status: criteria provided, multiple submitters, no conflicts (2 of 4 stars). 2 submissions from 2 submitters: Uncertain significance (2). Last evaluated 2025-06-17.

Conditions:
Myofibrillar myopathy 4. Also called: Zaspopathy (type). Identifiers: Orphanet 98912, MedGen C4721886, MONDO:0012277, OMIM 609452.
Cardiovascular phenotype. Identifiers: MedGen CN230736.

Allele frequency attached by ClinVar (database versions not stated): TOPMed below 0.00001; gnomAD exomes 0.00002; ExAC 0.00004.
gnomAD v4.1: 2 of 1,613,188 alleles (0.00012%); highest among the groups gnomAD compares: East Asian, 0.0045%; no homozygotes.

Submissions (2):

Ambry Genetics
Classification: Uncertain significance for Cardiovascular phenotype. Last evaluated: 2025-06-17. Review status: criteria provided, single submitter. Criteria: Ambry Variant Classification Scheme 2023. Collection method: clinical testing. Allele origin: germline.

Labcorp Genetics (formerly Invitae), Labcorp
Classification: Uncertain significance for Myofibrillar myopathy 4. Last evaluated: 2025-05-25. Review status: criteria provided, single submitter. Criteria: Invitae Variant Classification Sherloc (09022015). Collection method: clinical testing. Allele origin: germline.
Comment: The LDB3 gene has multiple clinically relevant transcripts. This variant occurs in alternate transcript NM_007078.3, and corresponds to NM_001080116.1:c.*7261C>A in the primary transcript. This sequence change replaces proline, which is neutral and non-polar, with glutamine, which is neutral and polar, at codon 334 of the LDB3 protein (p.Pro334Gln). This variant is present in population databases (rs776058652, gnomAD 0.03%). This variant has not been reported in the literature in individuals affected with LDB3-related conditions. Experimental studies and prediction algorithms are not available or were not evaluated, and the functional significance of this variant is currently unknown. In summary, the available evidence is currently insufficient to determine the role of this variant in disease. Therefore, it has been classified as a Variant of Uncertain Significance.

NM_007078.3(LDB3):c.1001C>A (p.Pro334Gln)

Gene: LDB3 (LIM domain binding 3; plus strand). Cytogenetic location: 10q23.2.
Variant type: single nucleotide variant.
Coding change: c.1001C>A on transcript NM_007078.3 (MANE Select); coding-DNA position 1001, C replaced by A.
Protein change: p.Pro334Gln; replaces proline 334 with glutamine.
Molecular consequence: missense variant. On other transcripts: intron variant (4).
Genome position (GRCh38, 1-based): chr10:86,706,635, C>A. VCF-style: chr10-86706635-C-A. GRCh37 (hg19) VCF-style: chr10-88466392-C-A.
Other names: c.860C>A, p.Pro287Gln (NM_001368066.1); c.897-3270C>A (NM_001368064.1, NM_001368065.1); c.1101-3270C>A (NM_001171610.2); c.756-3270C>A (NM_001080114.2); c.1001C>A (NM_007078.2); short protein forms P334Q, P287Q.
Identifiers: ClinVar variation 1479008 (VCV001479008.7), dbSNP rs776058652, ClinGen allele CA5585029.